The following is an entry in ClinVar:

ClinVar aggregate classification (germline): Uncertain significance (1 of 4 stars; one submission).

Conditions:
Early-infantile DEE. Also called: Ohtahara syndrome; Early infantile epileptic encephalopathy; Early infantile epileptic encephalopathy with suppression bursts. Identifiers: Orphanet 1934, MedGen C0393706, MONDO:0800491.

Allele frequency attached by ClinVar (database versions not stated): gnomAD 0.00001; TOPMed below 0.00001; gnomAD exomes 0.00001.
gnomAD v4.1: 13 of 1,613,928 alleles (0.00081%); highest among the groups gnomAD compares: Non-Finnish European, 0.00025%; no homozygotes.

Submission:

Labcorp Genetics (formerly Invitae), Labcorp
Classification: Uncertain significance for Early-infantile DEE. Last evaluated: 2026-01-21. Review status: criteria provided, single submitter. Criteria: Invitae Variant Classification Sherloc (09022015). Collection method: clinical testing. Allele origin: germline.
Comment: This sequence change replaces valine, which is neutral and non-polar, with leucine, which is neutral and non-polar, at codon 874 of the HCN1 protein (p.Val874Leu). This variant is present in population databases (no rsID available, gnomAD 0.0009%). This variant has not been reported in the literature in individuals affected with HCN1-related conditions. ClinVar contains an entry for this variant (Variation ID: 2782263). Invitae Evidence Modeling of protein sequence and biophysical properties (such as structural, functional, and spatial information, amino acid conservation, physicochemical variation, residue mobility, and thermodynamic stability) indicates that this missense variant is not expected to disrupt HCN1 protein function with a negative predictive value of 95%. In summary, the available evidence is currently insufficient to determine the role of this variant in disease. Therefore, it has been classified as a Variant of Uncertain Significance.

NM_021072.4(HCN1):c.2620G>C (p.Val874Leu)

Gene: HCN1 (hyperpolarization activated cyclic nucleotide gated potassium channel 1; minus strand). Cytogenetic location: 5p12.
Variant type: single nucleotide variant.
Coding change: c.2620G>C on transcript NM_021072.4 (MANE Select); coding-DNA position 2620, G replaced by C.
Protein change: p.Val874Leu; replaces valine 874 with leucine.
Molecular consequence: missense variant.
Genome position (GRCh38, 1-based): chr5:45,261,974, C>G on the plus strand (G>C on the coding strand, the complement: HCN1 is on the minus strand). VCF-style: chr5-45261974-C-G. GRCh37 (hg19) VCF-style: chr5-45262076-C-G.
Other names: short protein forms V874L.
Identifiers: ClinVar variation 2782263 (VCV002782263.3), dbSNP rs1340599360, ClinGen allele CA359702986.